The following is an entry in ClinVar:

NM_005902.4(SMAD3):c.801_802delinsTT (p.Glu267_Arg268delinsAspCys)

Gene: SMAD3 (SMAD family member 3; plus strand). Cytogenetic location: 15q22.33.
Variant type: Indel.
Coding change: c.801_802delinsTT on transcript NM_005902.4 (MANE Select); coding-DNA positions 801 to 802, GC replaced by TT.
Protein change: p.Glu267_Arg268delinsAspCys.
Molecular consequence: missense variant.
Genome position (GRCh38, 1-based): chr15:67,181,383-67,181,384, GC replaced by TT. VCF-style: chr15-67181383-GC-TT. GRCh37 (hg19) VCF-style: chr15-67473721-GC-TT.
Other names: c.486_487delinsTT, p.Glu162_Arg163delinsAspCys (NM_001145102.2); c.669_670delinsTT, p.Glu223_Arg224delinsAspCys (NM_001145103.2); c.216_217delinsTT, p.Glu72_Arg73delinsAspCys (NM_001145104.2).
Identifiers: ClinVar variation 477580 (VCV000477580.8), dbSNP rs1555413579, ClinGen allele CA658656497.

ClinVar aggregate classification (germline): Pathogenic (1 of 4 stars; one submission).

Conditions:
Familial thoracic aortic aneurysm and aortic dissection (TAAD). Also called: Thoracic aortic aneurysms and dissections. Identifiers: Orphanet 91387, MedGen C4707243, MONDO:0019625.

Submission:

Labcorp Genetics (formerly Invitae), Labcorp
Classification: Pathogenic for Familial thoracic aortic aneurysm and aortic dissection. Last evaluated: 2023-07-17. Review status: criteria provided, single submitter. Criteria: Invitae Variant Classification Sherloc (09022015). Collection method: clinical testing. Allele origin: germline.
Comment: This variant, c.801_802delinsTT, is a complex sequence change that results in the deletion of 2 and insertion of 2 amino acid(s) in the SMAD3 protein (p.Glu267_Arg268delinsAspCys). Information on the frequency of this variant in the gnomAD database is not available, as this variant may be reported differently in the database. This variant has not been reported in the literature in individuals affected with SMAD3-related conditions. ClinVar contains an entry for this variant (Variation ID: 477580). Experimental studies and prediction algorithms are not available or were not evaluated, and the functional significance of this variant is currently unknown. This variant disrupts a region of the SMAD3 protein in which other variant(s) (p.Arg268His) have been determined to be pathogenic (PMID: 25944730, 26854089; Invitae). This suggests that this is a clinically significant region of the protein, and that variants that disrupt it are likely to be disease-causing. For these reasons, this variant has been classified as Pathogenic.

Literature cited by the submitters: PubMed 25944730; PubMed 26854089.